The following is an entry in ClinVar:

NM_182961.4(SYNE1):c.169A>G (p.Met57Val)

Gene: SYNE1 (spectrin repeat containing nuclear envelope protein 1; minus strand). Cytogenetic location: 6q25.2.
Variant type: single nucleotide variant.
Coding change: c.169A>G on transcript NM_182961.4 (MANE Select); coding-DNA position 169, A replaced by G.
Protein change: p.Met57Val; replaces methionine 57 with valine.
Molecular consequence: missense variant.
Genome position (GRCh38, 1-based): chr6:152,526,136, T>C on the plus strand (A>G on the coding strand, the complement: SYNE1 is on the minus strand). VCF-style: chr6-152526136-T-C. GRCh37 (hg19) VCF-style: chr6-152847271-T-C.
Other names: c.169A>G, p.Met57Val (NM_033071.5); short protein forms M57V.
Identifiers: ClinVar variation 538412 (VCV000538412.8), dbSNP rs1031712545, ClinGen allele CA150211508.

ClinVar aggregate classification (germline): Uncertain significance (1 of 4 stars; one submission).

Conditions:
Autosomal recessive ataxia, Beauce type. Also called: SYNE1-Related Autosomal Recessive Cerebellar Ataxia; Spinocerebellar ataxia, autosomal recessive 8; ATAXIA, RECESSIVE, OF BEAUCE; SYNE1 Deficiency. Identifiers: Orphanet 88644, MedGen C1853116, MONDO:0012549, OMIM 610743.
Emery-Dreifuss muscular dystrophy 4, autosomal dominant (EDMD4). Also called: EMERY-DREIFUSS MUSCULAR DYSTROPHY 4 WITH VARIABLE FEATURES. Identifiers: Orphanet 261, MedGen C2751807, MONDO:0013071, OMIM 612998.

Allele frequency attached by ClinVar (database versions not stated): gnomAD 0.00001; TOPMed 0.00001.
gnomAD v4.1: 5 of 1,614,032 alleles (0.00031%); highest among the groups gnomAD compares: Non-Finnish European, 0.00042%; no homozygotes.

Submission:

Labcorp Genetics (formerly Invitae), Labcorp
Classification: Uncertain significance for Emery-Dreifuss muscular dystrophy 4, autosomal dominant; Autosomal recessive ataxia, Beauce type. Last evaluated: 2025-01-13. Review status: criteria provided, single submitter. Criteria: Invitae Variant Classification Sherloc (09022015). Collection method: clinical testing. Allele origin: germline.
Comment: This sequence change replaces methionine, which is neutral and non-polar, with valine, which is neutral and non-polar, at codon 57 of the SYNE1 protein (p.Met57Val). This variant is not present in population databases (gnomAD no frequency). This variant has not been reported in the literature in individuals affected with SYNE1-related conditions. ClinVar contains an entry for this variant (Variation ID: 538412). An algorithm developed to predict the effect of missense changes on protein structure and function (PolyPhen-2) suggests that this variant is likely to be tolerated. In summary, the available evidence is currently insufficient to determine the role of this variant in disease. Therefore, it has been classified as a Variant of Uncertain Significance.